The following is an entry in ClinVar:

NM_001171.6(ABCC6):c.4226T>A (p.Leu1409His)

Gene: ABCC6 (ATP binding cassette subfamily C member 6; minus strand). Cytogenetic location: 16p13.11.
Variant type: single nucleotide variant.
Coding change: c.4226T>A on transcript NM_001171.6 (MANE Select); coding-DNA position 4226, T replaced by A.
Protein change: p.Leu1409His; replaces leucine 1409 with histidine.
Molecular consequence: missense variant. On other transcripts: non-coding transcript variant (1).
Genome position (GRCh38, 1-based): chr16:16,150,755, A>T on the plus strand (T>A on the coding strand, the complement: ABCC6 is on the minus strand). VCF-style: chr16-16150755-A-T. GRCh37 (hg19) VCF-style: chr16-16244612-A-T.
Other names: c.4226T>A (NM_001171.5); c.3884T>A, p.Leu1295His (NM_001351800.1); short protein forms L1295H, L1409H.
Identifiers: ClinVar variation 1407530 (VCV001407530.4), dbSNP rs776557438, ClinGen allele CA7925250.

ClinVar aggregate classification (germline): Uncertain significance. Review status: criteria provided, multiple submitters, no conflicts (2 of 4 stars). 2 submissions from 2 submitters: Uncertain significance (2). Last evaluated 2025-03-02.

Allele frequency attached by ClinVar (database versions not stated): gnomAD exomes 0.00002 and 0.00006; ExAC 0.00011.
gnomAD v4.1: 28 of 1,613,712 alleles (0.0017%); highest among the groups gnomAD compares: Non-Finnish European, 0.0021%; no homozygotes.

Submissions (2):

GeneDx
Classification: Uncertain significance. Last evaluated: 2025-03-02. Review status: criteria provided, single submitter. Criteria: GeneDx Variant Classification Process June 2021. Collection method: clinical testing. Allele origin: germline. Affected: yes.
Comment: In silico analysis supports that this missense variant has a deleterious effect on protein structure/function; Has not been previously published as pathogenic or benign to our knowledge

Labcorp Genetics (formerly Invitae), Labcorp
Classification: Uncertain significance. Last evaluated: 2021-11-03. Review status: criteria provided, single submitter. Criteria: Invitae Variant Classification Sherloc (09022015). Collection method: clinical testing. Allele origin: germline.
Comment: This sequence change replaces leucine, which is neutral and non-polar, with histidine, which is basic and polar, at codon 1409 of the ABCC6 protein (p.Leu1409His). This variant is present in population databases (rs776557438, gnomAD 0.01%). This variant has not been reported in the literature in individuals affected with ABCC6-related conditions. Advanced modeling of protein sequence and biophysical properties (such as structural, functional, and spatial information, amino acid conservation, physicochemical variation, residue mobility, and thermodynamic stability) performed at Invitae indicates that this missense variant is expected to disrupt ABCC6 protein function. In summary, the available evidence is currently insufficient to determine the role of this variant in disease. Therefore, it has been classified as a Variant of Uncertain Significance.